The following is an entry in ClinVar:

NM_005359.6(SMAD4):c.1640A>G (p.Asp547Gly)

Gene: SMAD4 (SMAD family member 4; plus strand). Cytogenetic location: 18q21.2.
Variant type: single nucleotide variant.
Coding change: c.1640A>G on transcript NM_005359.6 (MANE Select); coding-DNA position 1640, A replaced by G.
Protein change: p.Asp547Gly; replaces aspartic acid 547 with glycine.
Molecular consequence: missense variant. On other transcripts: non-coding transcript variant (1).
Genome position (GRCh38, 1-based): chr18:51,078,448, A>G. VCF-style: chr18-51078448-A-G. GRCh37 (hg19) VCF-style: chr18-48604818-A-G.
Other names: c.1640A>G, p.Asp547Gly (NM_001407041.1, NM_001407042.1); short protein forms D547G.
Identifiers: ClinVar variation 4803035 (VCV004803035.1).

ClinVar aggregate classification (germline): Uncertain significance (1 of 4 stars; one submission).

Conditions:
Juvenile polyposis syndrome (JPS). Identifiers: Orphanet 2929, MedGen C0345893, MONDO:0017380, OMIM 174900.

Submission:

Labcorp Genetics (formerly Invitae), Labcorp
Classification: Uncertain significance for Juvenile polyposis syndrome. Last evaluated: 2025-07-15. Review status: criteria provided, single submitter. Criteria: Invitae Variant Classification Sherloc (09022015). Collection method: clinical testing. Allele origin: germline.
Comment: This sequence change replaces aspartic acid, which is acidic and polar, with glycine, which is neutral and non-polar, at codon 547 of the SMAD4 protein (p.Asp547Gly). This variant is not present in population databases (gnomAD no frequency). This variant has not been reported in the literature in individuals affected with SMAD4-related conditions. Invitae Evidence Modeling of protein sequence and biophysical properties (such as structural, functional, and spatial information, amino acid conservation, physicochemical variation, residue mobility, and thermodynamic stability) indicates that this missense variant is not expected to disrupt SMAD4 protein function with a negative predictive value of 95%. In summary, the available evidence is currently insufficient to determine the role of this variant in disease. Therefore, it has been classified as a Variant of Uncertain Significance.